The following is an entry in ClinVar:

ClinVar aggregate classification (germline): Uncertain significance (1 of 4 stars; one submission).

Submission:

Labcorp Genetics (formerly Invitae), Labcorp
Classification: Uncertain significance. Last evaluated: 2020-08-02. Review status: criteria provided, single submitter. Criteria: Invitae Variant Classification Sherloc (09022015). Collection method: clinical testing. Allele origin: germline.
Comment: In summary, the available evidence is currently insufficient to determine the role of this variant in disease. Therefore, it has been classified as a Variant of Uncertain Significance. Algorithms developed to predict the effect of missense changes on protein structure and function are either unavailable or do not agree on the potential impact of this missense change (SIFT: "Deleterious"; PolyPhen-2: "Benign"; Align-GVGD: "Class C0"). This variant has not been reported in the literature in individuals with CTNNA1-related conditions. This variant is not present in population databases (ExAC no frequency). This sequence change replaces glutamine with histidine at codon 421 of the CTNNA1 protein (p.Gln421His). The glutamine residue is highly conserved and there is a small physicochemical difference between glutamine and histidine.

NM_001903.5(CTNNA1):c.1263A>T (p.Gln421His)

Gene: CTNNA1 (catenin alpha 1; plus strand). Cytogenetic location: 5q31.2.
Variant type: single nucleotide variant.
Coding change: c.1263A>T on transcript NM_001903.5 (MANE Select); coding-DNA position 1263, A replaced by T.
Protein change: p.Gln421His; replaces glutamine 421 with histidine.
Molecular consequence: missense variant. On other transcripts: 5 prime UTR variant (5), intron variant (2).
Genome position (GRCh38, 1-based): chr5:138,887,609, A>T. VCF-style: chr5-138887609-A-T. GRCh37 (hg19) VCF-style: chr5-138223298-A-T.
Other names: c.1263A>T, p.Gln421His (NM_001290307.3, NM_001323982.2, NM_001323983.1 and 3 more transcripts); c.954A>T, p.Gln318His (NM_001290309.3); c.894A>T, p.Gln298His (NM_001290310.3); c.153A>T, p.Gln51His (NM_001290312.1, NM_001323987.1, NM_001323988.1 and 18 more transcripts); c.-245A>T (NM_001324006.1, NM_001324007.1, NM_001324008.1 and 1 more transcripts); c.-120A>T (NM_001324013.1); c.-58+12012A>T (NM_001324012.1); c.-61+12012A>T (NM_001324010.1); short protein forms Q298H, Q318H, Q421H, Q51H.
Identifiers: ClinVar variation 1055493 (VCV001055493.9), dbSNP rs768184454, ClinGen allele CA361133202.
Genomic context (GRCh38, chr5:138,887,609, plus strand): 5'-TTTGGTATTGATTGAAGCTGCAAAGAATGGAAATGAGAAAGAAGTTAAGGAGTATGCCCA[A>T]GTTTTCCGTGAACATGCCAACAAATTGATTGAGGTAAGTGAATTAGCAGTTTCATTGACT-3'
Protein context (NP_001894.2, residues 411-431): GNEKEVKEYA[Gln421His]VFREHANKLI